The following is an entry in ClinVar:

NM_006059.4(LAMC3):c.1468G>C (p.Ala490Pro)

Gene: LAMC3 (laminin subunit gamma 3; plus strand). Cytogenetic location: 9q34.12.
Variant type: single nucleotide variant.
Coding change: c.1468G>C on transcript NM_006059.4 (MANE Select); coding-DNA position 1468, G replaced by C.
Protein change: p.Ala490Pro; replaces alanine 490 with proline.
Molecular consequence: missense variant.
Genome position (GRCh38, 1-based): chr9:131,045,609, G>C. VCF-style: chr9-131045609-G-C. GRCh37 (hg19) VCF-style: chr9-133920996-G-C.
Other names: short protein forms A490P.
Identifiers: ClinVar variation 1403870 (VCV001403870.5), dbSNP rs368248044, ClinGen allele CA5287095.

ClinVar aggregate classification (germline): Uncertain significance (1 of 4 stars; one submission).

gnomAD v4.1: 3 of 1,614,162 alleles (0.00019%); highest among the groups gnomAD compares: Admixed American, 0.0033%; no homozygotes.

Submission:

Labcorp Genetics (formerly Invitae), Labcorp
Classification: Uncertain significance. Last evaluated: 2022-08-22. Review status: criteria provided, single submitter. Criteria: Invitae Variant Classification Sherloc (09022015). Collection method: clinical testing. Allele origin: germline.
Comment: This sequence change replaces alanine, which is neutral and non-polar, with proline, which is neutral and non-polar, at codon 490 of the LAMC3 protein (p.Ala490Pro). This variant is present in population databases (rs368248044, gnomAD 0.006%). This variant has not been reported in the literature in individuals affected with LAMC3-related conditions. ClinVar contains an entry for this variant (Variation ID: 1403870). Algorithms developed to predict the effect of missense changes on protein structure and function are either unavailable or do not agree on the potential impact of this missense change (SIFT: "Tolerated"; PolyPhen-2: "Possibly Damaging"; Align-GVGD: "Class C0"). In summary, the available evidence is currently insufficient to determine the role of this variant in disease. Therefore, it has been classified as a Variant of Uncertain Significance.